The following is an entry in ClinVar:

ClinVar aggregate classification (germline): Uncertain significance (1 of 4 stars; one submission).

Conditions:
Hereditary cancer-predisposing syndrome. Also called: Hereditary Cancer Syndrome; Tumor predisposition; Hereditary neoplastic syndrome; Neoplastic Syndromes, Hereditary. Identifiers: Orphanet 140162, MedGen C0027672, MeSH D009386, MONDO:0015356.

Submission:

Ambry Genetics
Classification: Uncertain significance for Hereditary cancer-predisposing syndrome. Last evaluated: 2024-06-05. Review status: criteria provided, single submitter. Criteria: Ambry Variant Classification Scheme 2023. Collection method: clinical testing. Allele origin: germline.
Comment: The p.R52G variant (also known as c.154C>G), located in coding exon 1 of the BARD1 gene, results from a C to G substitution at nucleotide position 154. The arginine at codon 52 is replaced by glycine, an amino acid with dissimilar properties. This amino acid position is highly conserved in available vertebrate species. In addition, the in silico prediction for this alteration is inconclusive. Based on the available evidence, the clinical significance of this variant remains unclear.

NM_000465.4(BARD1):c.154C>G (p.Arg52Gly)

Gene: BARD1 (BRCA1 associated RING domain 1; minus strand). Cytogenetic location: 2q35.
Variant type: single nucleotide variant.
Coding change: c.154C>G on transcript NM_000465.4 (MANE Select); coding-DNA position 154, C replaced by G.
Protein change: p.Arg52Gly; replaces arginine 52 with glycine.
Molecular consequence: missense variant. On other transcripts: non-coding transcript variant (3).
Genome position (GRCh38, 1-based): chr2:214,809,416, G>C on the plus strand (C>G on the coding strand, the complement: BARD1 is on the minus strand). VCF-style: chr2-214809416-G-C. GRCh37 (hg19) VCF-style: chr2-215674140-G-C.
Other names: c.154C>G, p.Arg52Gly (NM_001282543.2, NM_001282545.2, NM_001282548.2 and 1 more transcripts); short protein forms R52G.
Identifiers: ClinVar variation 3260448 (VCV003260448.1).